The following is an entry in ClinVar:

NM_006073.4(TRDN):c.587dup (p.Glu197fs)

Gene: TRDN (triadin; minus strand). Cytogenetic location: 6q22.31.
Variant type: Duplication.
Coding change: c.587dup on transcript NM_006073.4 (MANE Select); coding-DNA position 587, one base duplicated (C; older notation c.587dupC).
Protein change: p.Glu197fs; shifts the reading frame from glutamic acid 197.
Molecular consequence: frameshift variant.
Genome position (GRCh38, 1-based): chr6:123,512,326, G duplicated on the plus strand (C on the coding strand, the reverse complement: TRDN is on the minus strand); the first of 2 consecutive G bases (chr6:123,512,326-123,512,327); duplicating either gives the same sequence. VCF-style (leftmost placement, unchanged base first): chr6-123512325-T-TG. GRCh37 (hg19) VCF-style: chr6-123833470-T-TG.
Other names: c.587dup, p.Glu197fs (NM_001251987.2, NM_001256020.2, NM_001256021.2 and 1 more transcripts); short protein forms E197fs.
Identifiers: ClinVar variation 3673082 (VCV003673082.2).
Genomic context (GRCh38, chr6:123,512,325, plus strand): 5'-AAGAATTTAGTTATGGAAATAATAAATTGAAAAGTTACCTTTCGCCAGTGTCTTTGTTTC[T>TG]GGTTTTTCTTTTTTCTCAATTTTTTCCTTGTGAGTTGCTTAAACAGAAAATTTTACATTA-3'

ClinVar aggregate classification (germline): Pathogenic (1 of 4 stars; one submission).

Conditions:
Catecholaminergic polymorphic ventricular tachycardia 1. Also called: VENTRICULAR TACHYCARDIA, CATECHOLAMINERGIC POLYMORPHIC, 1, WITH OR WITHOUT ATRIAL DYSFUNCTION AND/OR DILATED CARDIOMYOPATHY; VENTRICULAR TACHYCARDIA, STRESS-INDUCED POLYMORPHIC 1; RYR2-Related Catecholaminergic Polymorphic Ventricular Tachycardia. Identifiers: Orphanet 3286, MedGen C1631597, MONDO:0011484, OMIM 604772.

Submission:

Labcorp Genetics (formerly Invitae), Labcorp
Classification: Pathogenic for Catecholaminergic polymorphic ventricular tachycardia 1. Last evaluated: 2024-12-15. Review status: criteria provided, single submitter. Criteria: Invitae Variant Classification Sherloc (09022015). Collection method: clinical testing. Allele origin: germline.
Comment: This sequence change creates a premature translational stop signal (p.Glu197Argfs*13) in the TRDN gene. While this is not anticipated to result in nonsense mediated decay, it is expected to disrupt the last 533 amino acid(s) of the TRDN protein. This variant is not present in population databases (gnomAD no frequency). This variant has not been reported in the literature in individuals affected with TRDN-related conditions. This variant disrupts a region of the TRDN protein in which other variant(s) (p.Ala208Leufs*15, p.Gln205*) have been determined to be pathogenic (PMID: 22422768, 26200674, 30649896). This suggests that this is a clinically significant region of the protein, and that variants that disrupt it are likely to be disease-causing. For these reasons, this variant has been classified as Pathogenic.

Literature cited by the submitters: PubMed 22422768; PubMed 26200674; PubMed 30649896.